The following is an entry in ClinVar:

NM_004984.4(KIF5A):c.129+1G>A

Gene: KIF5A (kinesin family member 5A; plus strand). Cytogenetic location: 12q13.3.
Variant type: single nucleotide variant.
Coding change: c.129+1G>A on transcript NM_004984.4 (MANE Select); the canonical splice donor site of the intron after coding-DNA position 129, G replaced by A.
Molecular consequence: splice donor variant.
Genome position (GRCh38, 1-based): chr12:57,550,401, G>A. VCF-style: chr12-57550401-G-A. GRCh37 (hg19) VCF-style: chr12-57944184-G-A.
Other names: c.129+1G>A (NM_001354705.2).
Identifiers: ClinVar variation 1711150 (VCV001711150.2), dbSNP rs2540481495, ClinGen allele CA385496456.
Genomic context (GRCh38, chr12:57,550,401, plus strand): 5'-ATTCTGCGGGGAGACAAGTTCATCCCCATTTTCCAAGGGGACGACAGCGTCGTTATTGGG[G>A]TGAGTGTCGCCCAGGAGGGAATTCGGGGAGGGGGCAGGTGGCTGAATCTCCCCGCCCCCC-3'

ClinVar aggregate classification (germline): Likely pathogenic (0 of 4 stars; one submission).

Conditions:
Hereditary spastic paraplegia 10 (SPG10). Also called: SPASTIC PARAPLEGIA 10 WITH OR WITHOUT PERIPHERAL NEUROPATHY; SPASTIC PARAPLEGIA 10 WITH PERIPHERAL NEUROPATHY; SPASTIC PARAPLEGIA 10, AUTOSOMAL DOMINANT. Identifiers: Orphanet 100991, MedGen C1858712, MONDO:0011408, OMIM 604187.

Submission:

Concord Molecular Medicine Laboratory, Concord Repatriation General Hospital
Classification: Likely pathogenic for Hereditary spastic paraplegia 10. Last evaluated: 2022-10-19. Review status: no assertion criteria provided. Collection method: clinical testing. Allele origin: maternal. Inheritance: Autosomal dominant inheritance. Affected: yes.
Comment: This nucleotide change, located in the canonical donor splice site in intron 1 of the KIF5A gene, predicts the loss of function of the authentic splice site and a possible in-frame skip of exon 1. Exon 1 encodes partially for the N-terminal part of the kinesin motor domain and is critical to protein function. Missense mutations in this N-terminal domain of the protein cause monogenic autosomal dominant spastic paraplegia 10 (OMIM#604187). Loss of function is a known mechanism of KIF5A (gnomAD score: LOEUF 0.228). This variant is not found in control population (gnomAD). The variant segregates with the disease in the family. The current evidence allows a classification of the variant as "likely pathogenic" (ACMG criteria: PVS1_strong, PM2_supprting, PP1).